The following is an entry in ClinVar:

NM_130384.3(ATRIP):c.1715C>A (p.Ala572Asp)

Genes: ATRIP (ATR interacting protein; plus strand), ATRIP-TREX1 (ATRIP-TREX1 readthrough; plus strand). Cytogenetic location: 3p21.31.
Variant type: single nucleotide variant.
Coding change: c.1715C>A on transcript NM_130384.3 (MANE Select); coding-DNA position 1715, C replaced by A.
Protein change: p.Ala572Asp; replaces alanine 572 with aspartic acid.
Molecular consequence: missense variant. On other transcripts: non-coding transcript variant (1).
Genome position (GRCh38, 1-based): chr3:48,460,769, C>A. VCF-style: chr3-48460769-C-A. GRCh37 (hg19) VCF-style: chr3-48502168-C-A.
Other names: c.1334C>A, p.Ala445Asp (NM_001271022.2); c.1436C>A, p.Ala479Asp (NM_001271023.2); c.1715C>A, p.Ala572Asp (NM_032166.4); short protein forms A445D, A479D, A572D.
Identifiers: ClinVar variation 3808947 (VCV003808947.1).
Genomic context (GRCh38, chr3:48,460,769, plus strand): 5'-CAACAGGTCACCTTCAAGCCAGTGTCCTGACCCAGTGCCTTAAGGTTTTGGTGAAATTAG[C>A]CGAAAACACTTCCTGTGATTTCTTGCCCAGGTATTAAGCTGCATAGGAGTCATGATTCTT-3'
Protein context (NP_569055.1, residues 562-582): TQCLKVLVKL[Ala572Asp]ENTSCDFLPR

ClinVar aggregate classification (germline): Uncertain significance (1 of 4 stars; one submission).

gnomAD v4.1: 1 of 1,600,884 alleles (0.000062%); highest among the groups gnomAD compares: Non-Finnish European, 0.000086%; no homozygotes.

Submission:

Ambry Genetics
Classification: Uncertain significance. Last evaluated: 2024-12-14. Review status: criteria provided, single submitter. Criteria: Ambry Variant Classification Scheme 2023. Collection method: clinical testing. Allele origin: germline.
Comment: The p.A572D variant (also known as c.1715C>A), located in coding exon 8 of the ATRIP gene, results from a C to A substitution at nucleotide position 1715. The alanine at codon 572 is replaced by aspartic acid, an amino acid with dissimilar properties. This amino acid position is conserved. In addition, this alteration is predicted to be deleterious by in silico analysis. Based on the available evidence, the clinical significance of this variant remains unclear.